The following is an entry in ClinVar:

ClinVar aggregate classification (germline): Uncertain significance. Review status: criteria provided, multiple submitters, no conflicts (2 of 4 stars). 3 submissions from 3 submitters: Uncertain significance (3). Last evaluated 2025-06-13.

Conditions:
OPA1-related disorder. Also called: OPA1-related disorders; OPA1-related condition.

Allele frequency attached by ClinVar (database versions not stated): ExAC 0.00001; gnomAD 0.00001; gnomAD exomes 0.00001 and 0.00002; TOPMed 0.00001.
gnomAD v4.1: 13 of 1,610,038 alleles (0.00081%); highest among the groups gnomAD compares: East Asian, 0.0067%; no homozygotes.

Submissions (3):

GeneDx
Classification: Uncertain significance. Last evaluated: 2025-06-13. Review status: criteria provided, single submitter. Criteria: GeneDx Variant Classification Process June 2021. Collection method: clinical testing. Allele origin: germline. Affected: yes.
Comment: In silico analysis supports that this missense variant has a deleterious effect on protein structure/function; This variant is associated with the following publications: (PMID: 31500643, 33884488, 36729443)

Labcorp Genetics (formerly Invitae), Labcorp
Classification: Uncertain significance. Last evaluated: 2023-08-17. Review status: criteria provided, single submitter. Criteria: Invitae Variant Classification Sherloc (09022015). Collection method: clinical testing. Allele origin: germline.
Comment: This sequence change replaces proline, which is neutral and non-polar, with leucine, which is neutral and non-polar, at codon 127 of the OPA1 protein (p.Pro127Leu). This variant is present in population databases (rs772551106, gnomAD 0.02%). This missense change has been observed in individual(s) with clinical features of OPA1-related conditions (PMID: 31500643, 33884488). ClinVar contains an entry for this variant (Variation ID: 1509112). Advanced modeling of protein sequence and biophysical properties (such as structural, functional, and spatial information, amino acid conservation, physicochemical variation, residue mobility, and thermodynamic stability) performed at Invitae indicates that this missense variant is not expected to disrupt OPA1 protein function. In summary, the available evidence is currently insufficient to determine the role of this variant in disease. Therefore, it has been classified as a Variant of Uncertain Significance.

PreventionGenetics, part of Exact Sciences
Classification: Uncertain significance for OPA1-related condition. Last evaluated: 2023-03-07. Review status: criteria provided, single submitter. Criteria: ACMG Guidelines, 2015. Collection method: clinical testing. Allele origin: germline.
Comment: The OPA1 c.380C>T variant is predicted to result in the amino acid substitution p.Pro127Leu. This variant was reported in an individual with autosomal dominant optic atrophy (Table 1, Xu et al 2021. PubMed ID: 33884488), but has been classified as a variant of uncertain significance by two sources in the literature (Le Roux et al 2019. PubMed ID: 31500643; Xu et al 2021. PubMed ID: 33884488). This variant is reported in 0.015% of alleles in individuals of East Asian descent in gnomAD. At this time, the clinical significance of this variant is uncertain due to the absence of conclusive functional and genetic evidence.

Literature cited by the submitters: PubMed 31500643 (cited by Labcorp Genetics (formerly Invitae), Labcorp); PubMed 33884488 (cited by Labcorp Genetics (formerly Invitae), Labcorp).

NM_130837.3(OPA1):c.380C>T (p.Pro127Leu)

Gene: OPA1 (OPA1 mitochondrial dynamin like GTPase; plus strand). Cytogenetic location: 3q29.
Variant type: single nucleotide variant.
Coding change: c.380C>T on transcript NM_130837.3 (MANE Select); coding-DNA position 380, C replaced by T.
Protein change: p.Pro127Leu; replaces proline 127 with leucine.
Molecular consequence: missense variant.
Genome position (GRCh38, 1-based): chr3:193,615,702, C>T. VCF-style: chr3-193615702-C-T. GRCh37 (hg19) VCF-style: chr3-193333491-C-T.
Other names: c.380C>T (NM_015560.2, NM_130837.2); c.8C>T, p.Pro3Leu (NM_001354663.2, NM_001354664.2); c.380C>T, p.Pro127Leu (NM_015560.3, NM_130831.3, NM_130832.3 and 4 more transcripts); short protein forms P127L, P3L.
Identifiers: ClinVar variation 1509112 (VCV001509112.7), dbSNP rs772551106, ClinGen allele CA2759003.